The following is an entry in ClinVar:

ClinVar aggregate classification (germline): Likely benign. Review status: criteria provided, multiple submitters, no conflicts (2 of 4 stars). 4 submissions from 4 submitters: Likely benign (2). 2 of the submissions do not count toward it. Last evaluated 2026-01-24.

Conditions:
HPS1-related disorder. Also called: HPS1-related condition.
Hermansky-Pudlak syndrome (HPS). Also called: ALBINISM WITH HEMORRHAGIC DIATHESIS AND PIGMENTED RETICULOENDOTHELIAL CELLS. Identifiers: Orphanet 79430, MedGen C0079504, MONDO:0019312.

Allele frequency attached by ClinVar (database versions not stated): TOPMed 0.00005; gnomAD 0.00006; gnomAD exomes 0.00007 and 0.00019; 1000 Genomes Project 30x 0.00016; 1000 Genomes Project 0.00020.
gnomAD v4.1: 262 of 1,555,260 alleles (0.017%); highest among the groups gnomAD compares: Non-Finnish European, 0.022%; no homozygotes.

Submissions (4):

Labcorp Genetics (formerly Invitae), Labcorp
Classification: Likely benign. Last evaluated: 2026-01-24. Review status: criteria provided, single submitter. Criteria: Invitae Variant Classification Sherloc (09022015). Collection method: clinical testing. Allele origin: germline.

Blueprint Genetics
Classification: Likely benign. Last evaluated: 2024-05-17. Review status: criteria provided, single submitter. Criteria: ACMG Guidelines, 2015. Collection method: clinical testing. Allele origin: germline.

Natera, Inc.
Classification: Uncertain significance for Hermansky-Pudlak syndrome. Last evaluated: 2020-02-13. Review status: no assertion criteria provided. Collection method: clinical testing. Allele origin: germline. Not counted in ClinVar's aggregate classification.

PreventionGenetics, part of Exact Sciences
Classification: Likely benign for HPS1-related condition. Last evaluated: 2020-02-04. Review status: no assertion criteria provided. Collection method: clinical testing. Allele origin: germline. Not counted in ClinVar's aggregate classification.
Comment: This variant is classified as likely benign based on ACMG/AMP sequence variant interpretation guidelines (Richards et al. 2015 PMID: 25741868, with internal and published modifications).

NM_000195.5(HPS1):c.447C>T (p.Phe149=)

Gene: HPS1 (HPS1 biogenesis of lysosomal organelles complex 3 subunit 1; minus strand). Cytogenetic location: 10q24.2.
Variant type: single nucleotide variant.
Coding change: c.447C>T on transcript NM_000195.5 (MANE Select); coding-DNA position 447, C replaced by T.
Protein change: p.Phe149=; no amino-acid change (phenylalanine 149 retained).
Molecular consequence: synonymous variant. On other transcripts: 5 prime UTR variant (3), missense variant (3).
Genome position (GRCh38, 1-based): chr10:98,434,043, G>A on the plus strand (C>T on the coding strand, the complement: HPS1 is on the minus strand). VCF-style: chr10-98434043-G-A. GRCh37 (hg19) VCF-style: chr10-100193800-G-A.
Other names: c.304C>T (NM_001322482.1); c.-470C>T (NM_001311345.2, NM_001322489.2); c.447C>T, p.Phe149= (NM_001322476.2, NM_001322477.2, NM_001322478.2 and 5 more transcripts); c.304C>T, p.Pro102Ser (NM_001322480.2, NM_001322481.2, NM_001322482.2); c.78C>T, p.Phe26= (NM_001322483.2, NM_001322484.2, NM_001322485.2); c.-569C>T (NM_001322487.2); short protein forms P102S.
Identifiers: ClinVar variation 752245 (VCV000752245.15), dbSNP rs564896584, ClinGen allele CA212769668.
Genomic context (GRCh38, chr10:98,434,043, plus strand): 5'-CTCCACGGCGAAGCACTGCTCCTGCTCCCGCAGGCGGCTGTAGGTCCACAGCAGGCTCTG[G>A]AAGTGCTCCCACAGCTGGACACGCTGCGCCAGGTCTGGGGGCCGCAGCCTGGGGGCAGAG-3'
Protein context (NP_000186.2, residues 139-159): LAQRVQLWEH[Phe149=]QSLLWTYSRL